The following is an entry in ClinVar:

NM_006225.4(PLCD1):c.1948T>G (p.Ser650Ala)

Gene: PLCD1 (phospholipase C delta 1; minus strand). Cytogenetic location: 3p22.2.
Variant type: single nucleotide variant.
Coding change: c.1948T>G on transcript NM_006225.4 (MANE Select); coding-DNA position 1948, T replaced by G.
Protein change: p.Ser650Ala; replaces serine 650 with alanine.
Molecular consequence: missense variant. On other transcripts: non-coding transcript variant (1).
Genome position (GRCh38, 1-based): chr3:38,008,322, A>C on the plus strand (T>G on the coding strand, the complement: PLCD1 is on the minus strand). VCF-style: chr3-38008322-A-C. GRCh37 (hg19) VCF-style: chr3-38049813-A-C.
Other names: c.2011T>G, p.Ser671Ala (NM_001130964.2); short protein forms S650A, S671A.
Identifiers: ClinVar variation 2211847 (VCV002211847.3), dbSNP rs201309428, ClinGen allele CA2312868.

ClinVar aggregate classification (germline): Uncertain significance. Review status: criteria provided, multiple submitters, no conflicts (2 of 4 stars). 2 submissions from 2 submitters: Uncertain significance (2). Last evaluated 2024-06-05.

Allele frequency attached by ClinVar (database versions not stated): ExAC 0.00001; gnomAD 0.00006; ESP Exome Variant Server 0.00008; TOPMed 0.00009; gnomAD exomes 0.00017.

Submissions (2):

GeneDx
Classification: Uncertain significance. Last evaluated: 2024-06-05. Review status: criteria provided, single submitter. Criteria: GeneDx Variant Classification Process June 2021. Collection method: clinical testing. Allele origin: germline. Affected: yes.
Comment: In silico analysis supports that this missense variant has a deleterious effect on protein structure/function; Has not been previously published as pathogenic or benign to our knowledge

Ambry Genetics
Classification: Uncertain significance. Last evaluated: 2021-06-22. Review status: criteria provided, single submitter. Criteria: Ambry Variant Classification Scheme 2023. Collection method: clinical testing. Allele origin: germline.